The following is an entry in ClinVar:

ClinVar aggregate classification (germline): Likely benign. Review status: criteria provided, single submitter (1 of 4 stars). 2 submissions from 2 submitters: Likely benign (1). 1 of the submissions does not count toward it. Last evaluated 2022-09-01.

Conditions:
NLGN4X-related disorder. Also called: NLGN4X-related condition.

Allele frequency attached by ClinVar (database versions not stated): gnomAD exomes 0.00001; gnomAD 0.00003; TOPMed 0.00007.
gnomAD v4.1: 13 of 1,208,885 alleles (0.0011%); highest among the groups gnomAD compares: African/African-American, 0.0053%; no homozygotes.

Submissions (2):

CeGaT Center for Human Genetics Tuebingen
Classification: Likely benign. Last evaluated: 2022-09-01. Review status: criteria provided, single submitter. Criteria: CeGaT Center For Human Genetics Tuebingen Variant Classification Criteria Version 2. Collection method: clinical testing. Allele origin: germline. Affected: yes. Observed: 1 variant allele.
Comment: NLGN4X: BP4, BP7

PreventionGenetics, part of Exact Sciences
Classification: Likely benign for NLGN4X-related condition. Last evaluated: 2024-02-07. Review status: no assertion criteria provided. Collection method: clinical testing. Allele origin: germline. Not counted in ClinVar's aggregate classification.
Comment: This variant is classified as likely benign based on ACMG/AMP sequence variant interpretation guidelines (Richards et al. 2015 PMID: 25741868, with internal and published modifications).

NM_181332.3(NLGN4X):c.2019C>T (p.Thr673=)

Gene: NLGN4X (neuroligin 4 X-linked; minus strand). Cytogenetic location: Xp22.32.
Variant type: single nucleotide variant.
Coding change: c.2019C>T on transcript NM_181332.3 (MANE Select); coding-DNA position 2019, C replaced by T.
Protein change: p.Thr673=; no amino-acid change (threonine 673 retained).
Molecular consequence: synonymous variant.
Genome position (GRCh38, 1-based): chrX:5,893,249, G>A on the plus strand (C>T on the coding strand, the complement: NLGN4X is on the minus strand). VCF-style: chrX-5893249-G-A. GRCh37 (hg19) VCF-style: chrX-5811290-G-A.
Other names: c.2019C>T, p.Thr673= (NM_001282145.2, NM_001282146.2, NM_020742.4); c.2019C>T (NM_020742.3).
Identifiers: ClinVar variation 2659897 (VCV002659897.25), dbSNP rs995583516, ClinGen allele CA326308998.